The following is an entry in ClinVar:

ClinVar aggregate classification (germline): Pathogenic. Review status: criteria provided, single submitter (1 of 4 stars). 2 submissions from 2 submitters: Pathogenic (1). 1 of the submissions does not count toward it. Last evaluated 2023-12-12.

Conditions:
Familial infantile myasthenia (CMS6). Also called: MYASTHENIC SYNDROME, PRESYNAPTIC, CONGENITAL, ASSOCIATED WITH EPISODIC APNEA; MYASTHENIC SYNDROME, CONGENITAL, 6, PRESYNAPTIC; Congenital myasthenic syndrome type 6. Identifiers: Orphanet 590, MedGen C0393929, MONDO:0009689, OMIM 254210.

Allele frequency attached by ClinVar (database versions not stated): gnomAD exomes below 0.00001.

Submissions (2):

Labcorp Genetics (formerly Invitae), Labcorp
Classification: Pathogenic for Familial infantile myasthenia. Last evaluated: 2023-12-12. Review status: criteria provided, single submitter. Criteria: Invitae Variant Classification Sherloc (09022015). Collection method: clinical testing. Allele origin: germline.
Comment: This sequence change creates a premature translational stop signal (p.Leu175Profs*26) in the CHAT gene. It is expected to result in an absent or disrupted protein product. Loss-of-function variants in CHAT are known to be pathogenic (PMID: 12548525, 21786365, 23292760). This variant is present in population databases (no rsID available, gnomAD 0.0009%). This premature translational stop signal has been observed in individual(s) with congenital myasthenic syndrome (PMID: 11172068). ClinVar contains an entry for this variant (Variation ID: 957139). For these reasons, this variant has been classified as Pathogenic.

OMIM
Classification: Pathogenic for MYASTHENIC SYNDROME, CONGENITAL, 6, PRESYNAPTIC. Last evaluated: 2001-02-13. Review status: no assertion criteria provided. Collection method: literature only. Allele origin: germline. Not counted in ClinVar's aggregate classification.

Literature cited by the submitters: PubMed 12548525 (cited by Labcorp Genetics (formerly Invitae), Labcorp); PubMed 21786365 (cited by Labcorp Genetics (formerly Invitae), Labcorp); PubMed 23292760 (cited by Labcorp Genetics (formerly Invitae), Labcorp); PubMed 11172068 (cited by Labcorp Genetics (formerly Invitae), Labcorp and OMIM).

NM_020549.5(CHAT):c.522_523dup (p.Leu175fs)

Gene: CHAT (choline O-acetyltransferase; plus strand). Cytogenetic location: 10q11.23.
Variant type: Duplication.
Coding change: c.522_523dup on transcript NM_020549.5 (MANE Select); coding-DNA positions 522 to 523, 2 bases duplicated (CC; older notation c.522_523dupCC).
Protein change: p.Leu175fs; shifts the reading frame from leucine 175.
Molecular consequence: frameshift variant.
Genome position (GRCh38, 1-based): chr10:49,619,859-49,619,860, CC duplicated. VCF-style (leftmost placement, unchanged base first): chr10-49619858-G-GCC. GRCh37 (hg19) VCF-style: chr10-50827904-G-GCC.
Other names: c.168_169dup, p.Leu57fs (NM_001142929.2, NM_001142934.2, NM_020984.4 and 2 more transcripts); c.276_277dup, p.Leu93fs (NM_001142933.2); short protein forms L175fs, L57fs, L93fs.
Identifiers: ClinVar variation 957139 (VCV000957139.10), dbSNP rs1404321683, ClinGen allele CA593780795.